The following is an entry in ClinVar:

NM_000297.4(PKD2):c.2048C>G (p.Thr683Ser)

Gene: PKD2 (polycystin 2, transient receptor potential cation channel; plus strand). Cytogenetic location: 4q22.1.
Variant type: single nucleotide variant.
Coding change: c.2048C>G on transcript NM_000297.4 (MANE Select); coding-DNA position 2048, C replaced by G.
Protein change: p.Thr683Ser; replaces threonine 683 with serine.
Molecular consequence: missense variant. On other transcripts: non-coding transcript variant (1).
Genome position (GRCh38, 1-based): chr4:88,061,934, C>G. VCF-style: chr4-88061934-C-G. GRCh37 (hg19) VCF-style: chr4-88983086-C-G.
Other names: short protein forms T683S.
Identifiers: ClinVar variation 3682371 (VCV003682371.2).

ClinVar aggregate classification (germline): Uncertain significance (1 of 4 stars; one submission).

Conditions:
Autosomal dominant polycystic kidney disease. Identifiers: Orphanet 730, MedGen C0085413, MONDO:0004691.

gnomAD v4.1: 4 of 1,571,758 alleles (0.00025%); highest among the groups gnomAD compares: Non-Finnish European, 0.00035%; no homozygotes.

Submission:

Labcorp Genetics (formerly Invitae), Labcorp
Classification: Uncertain significance for Autosomal dominant polycystic kidney disease. Last evaluated: 2024-05-24. Review status: criteria provided, single submitter. Criteria: Invitae Variant Classification Sherloc (09022015). Collection method: clinical testing. Allele origin: germline.
Comment: This sequence change replaces threonine, which is neutral and polar, with serine, which is neutral and polar, at codon 683 of the PKD2 protein (p.Thr683Ser). This variant is not present in population databases (gnomAD no frequency). This variant has not been reported in the literature in individuals affected with PKD2-related conditions. Advanced modeling of protein sequence and biophysical properties (such as structural, functional, and spatial information, amino acid conservation, physicochemical variation, residue mobility, and thermodynamic stability) performed at Invitae indicates that this missense variant is not expected to disrupt PKD2 protein function with a negative predictive value of 80%. In summary, the available evidence is currently insufficient to determine the role of this variant in disease. Therefore, it has been classified as a Variant of Uncertain Significance.